The following is an entry in ClinVar:

ClinVar aggregate classification (germline): Likely benign (1 of 4 stars; one submission).

gnomAD v4.1: 7 of 1,613,838 alleles (0.00043%); highest among the groups gnomAD compares: Non-Finnish European, 0.00051%; no homozygotes.

Submission:

CeGaT Center for Human Genetics Tuebingen
Classification: Likely benign. Last evaluated: 2025-01-01. Review status: criteria provided, single submitter. Criteria: CeGaT Center For Human Genetics Tuebingen Variant Classification Criteria Version 2. Collection method: clinical testing. Allele origin: germline. Affected: yes. Observed: 1 variant allele.
Comment: IARS1: BP4, BP7

NM_002161.6(IARS1):c.348T>C (p.Tyr116=)

Gene: IARS1 (isoleucyl-tRNA synthetase 1; minus strand). Cytogenetic location: 9q22.31.
Variant type: single nucleotide variant.
Coding change: c.348T>C on transcript NM_002161.6 (MANE Select); coding-DNA position 348, T replaced by C.
Protein change: p.Tyr116=; no amino-acid change (tyrosine 116 retained).
Molecular consequence: synonymous variant. On other transcripts: non-coding transcript variant (1).
Genome position (GRCh38, 1-based): chr9:92,287,839, A>G on the plus strand (T>C on the coding strand, the complement: IARS1 is on the minus strand). VCF-style: chr9-92287839-A-G. GRCh37 (hg19) VCF-style: chr9-95050121-A-G.
Other names: c.348T>C, p.Tyr116= (NM_001378576.1, NM_001378577.1, NM_001378578.1 and 15 more transcripts); c.225T>C, p.Tyr75= (NM_001378583.1); c.411T>C, p.Tyr137= (NM_001378569.1).
Identifiers: ClinVar variation 3770796 (VCV003770796.13).